The following continues an entry in ClinVar:

NM_007294.4(BRCA1):c.4992C>T (p.Leu1664=)

Gene: BRCA1. ClinVar aggregate classification (germline): Benign. Benign (1).

Submissions 18 to 21 of 21:

Brotman Baty Institute, University of Washington
No classification provided (evidence only). Condition: Breast-ovarian cancer, familial 1. Review status: no classification provided. Collection method: in vitro. Allele origin: not applicable. Functional consequence: function_uncertain_variant. Not counted in ClinVar's aggregate classification.
ClinVar note: "not provided" was previously submitted as the classification for the variant. However, the classification appeared to be based only on an observation of functional data so it was converted to no classification on 2025-07-30.

Clinical Genetics DNA and cytogenetics Diagnostics Lab, Erasmus MC, Erasmus Medical Center
Classification: Likely benign. Review status: no assertion criteria provided. Collection method: clinical testing. Allele origin: germline. Affected: yes. Study: VKGL Data-share Consensus. Not counted in ClinVar's aggregate classification.

Clinical Genetics Laboratory, Department of Pathology, Netherlands Cancer Institute
Classification: Benign. Review status: no assertion criteria provided. Collection method: clinical testing. Allele origin: germline. Affected: yes. Study: VKGL Data-share Consensus. Not counted in ClinVar's aggregate classification.

Department of Pathology and Laboratory Medicine, Sinai Health System
Classification: Likely benign for Malignant tumor of breast. Review status: no assertion criteria provided. Collection method: clinical testing. Allele origin: unknown. Affected: yes. Observed: 2 variant alleles. Study: The Canadian Open Genetics Repository (COGR). Not counted in ClinVar's aggregate classification.
Comment: The BRCA1 p.Leu1664= variant was identified in 17 of 112062 proband chromosomes (frequency: 0.00015) from individuals or families with breast cancer (Fackenthal 2012, Judkins 2005). Judkins (2005) performed a large computational study based on the segregation of variants with certain haplogypes to characterize the clinical significance of genetic variants and concluded that the variant was a benign polymorphism. The variant was also identified in dbSBP (ID: rs142459158) as â€šÃ„ÃºWith Likely benign alleleâ€šÃ„Ã¹, ClinVar (as likely benign by Ambry Genetics, Invitae, and Counsyl, and as benign by GeneDx and Baylor Genetics), Clinvitae (4x), and UMD-LSDB (9x as uncertain significance) databases. The variant was not identified in Cosmic, MutDB, LOVD 3.0, BIC Database, ARUP Laboratories, Zhejiang Colon Cancer Database, databases. The variant was also identified by our laboratory in 2 individuals with breast cancer. The variant was identified in control databases in 44 of 277010 chromosomes at a frequency of 0.000159 increasing the likelihood this could be a low frequency benign variant (Genome Aggregation Consortium Feb 27, 2017). The p.Leu1664=variant is not expected to have clinical significance because it does not result in a change of amino acid and is not located in a known consensus splice site. In addition, in silico or computational prediction software programs (SpliceSiteFinder, MaxEntScan, NNSPLICE, GeneSplicer, HumanSpliceFinder) do not predict a difference in splicing. In summary, based on the above information the clinical significance of this variant cannot be determined with certainty at this time although we would lean towards a more benign role for this variant. This variant is classified as likely benign.

Literature cited by the submitters: PubMed 16267036 (cited by Women's Health and Genetics/Laboratory Corporation of America, LabCorp and Counsyl); PubMed 22034289 (cited by Women's Health and Genetics/Laboratory Corporation of America, LabCorp and Counsyl); PubMed 30209399 (cited by Women's Health and Genetics/Laboratory Corporation of America, LabCorp); PubMed 30130155 (cited by Women's Health and Genetics/Laboratory Corporation of America, LabCorp); PubMed 12496477 (cited by Women's Health and Genetics/Laboratory Corporation of America, LabCorp); PubMed 31843900 (cited by King Laboratory, University of Washington); PubMed 12212615 (cited by Counsyl); PubMed 17308087 (cited by Counsyl).